The following is an entry in ClinVar:

NM_052867.4(NALCN):c.864A>G (p.Arg288=)

Gene: NALCN (sodium leak channel, non-selective; minus strand). Cytogenetic location: 13q33.1.
Variant type: single nucleotide variant.
Coding change: c.864A>G on transcript NM_052867.4 (MANE Select); coding-DNA position 864, A replaced by G.
Protein change: p.Arg288=; no amino-acid change (arginine 288 retained).
Molecular consequence: synonymous variant.
Genome position (GRCh38, 1-based): chr13:101,292,302, T>C on the plus strand (A>G on the coding strand, the complement: NALCN is on the minus strand). VCF-style: chr13-101292302-T-C. GRCh37 (hg19) VCF-style: chr13-101944653-T-C.
Other names: c.864A>G, p.Arg288= (NM_001350748.2, NM_001350749.2, NM_001350750.2 and 1 more transcripts).
Identifiers: ClinVar variation 4726839 (VCV004726839.5).

ClinVar aggregate classification (germline): Likely benign. Review status: criteria provided, multiple submitters, no conflicts (2 of 4 stars). 2 submissions from 2 submitters: Likely benign (2). Last evaluated 2026-03-01.

gnomAD v4.1: 1 of 1,614,102 alleles (0.000062%); highest among the groups gnomAD compares: Non-Finnish European, 0.000085%; no homozygotes.

Submissions (2):

CeGaT Center for Human Genetics Tuebingen
Classification: Likely benign. Last evaluated: 2026-03-01. Review status: criteria provided, single submitter. Criteria: CeGaT Center For Human Genetics Tuebingen Variant Classification Criteria Version 2. Collection method: clinical testing. Allele origin: germline. Affected: yes. Observed: 1 variant allele.
Comment: NALCN: BP4, BP7

Labcorp Genetics (formerly Invitae), Labcorp
Classification: Likely benign. Last evaluated: 2025-09-09. Review status: criteria provided, single submitter. Criteria: Invitae Variant Classification Sherloc (09022015). Collection method: clinical testing. Allele origin: germline.